The following is an entry in ClinVar:

NM_000051.4(ATM):c.3675_3677del (p.Gln1225_Asp1226delinsHis)

Gene: ATM (ATM serine/threonine kinase; plus strand). Cytogenetic location: 11q22.3.
Variant type: Deletion.
Coding change: c.3675_3677del on transcript NM_000051.4 (MANE Select); coding-DNA positions 3675 to 3677, 3 bases deleted (AGA; older notation c.3675_3677delAGA).
Protein change: p.Gln1225_Asp1226delinsHis.
Molecular consequence: inframe indel.
Genome position (GRCh38, 1-based): chr11:108,282,808-108,282,810, AGA deleted; deleting any 3 consecutive bases within chr11:108,282,807-108,282,810 gives the same sequence; the c. name uses the placement nearest the transcript's 3' end. VCF-style (leftmost placement, unchanged base first): chr11-108282806-CAAG-C. GRCh37 (hg19) VCF-style: chr11-108153533-CAAG-C.
Other names: c.3675_3677delAGA (NM_000051.3); c.3675_3677del, p.Gln1225_Asp1226delinsHis (NM_001351834.2).
Identifiers: ClinVar variation 422507 (VCV000422507.14), dbSNP rs1064795822, ClinGen allele CA16619165.

ClinVar aggregate classification (germline): Uncertain significance. Review status: criteria provided, multiple submitters, no conflicts (2 of 4 stars). 3 submissions from 3 submitters: Uncertain significance (3). Last evaluated 2024-10-07.

Conditions:
Hereditary cancer-predisposing syndrome. Also called: Hereditary neoplastic syndrome; Hereditary Cancer Syndrome; Neoplastic Syndromes, Hereditary; Tumor predisposition. Identifiers: Orphanet 140162, MedGen C0027672, MeSH D009386, MONDO:0015356.
Ataxia-telangiectasia syndrome (AT). Also called: Ataxia-telangiectasia, complementation group D; Cerebello-oculocutaneous telangiectasia; Immunodeficiency with ataxia telangiectasia; ATAXIA-TELANGIECTASIA, COMPLEMENTATION GROUP A; ATAXIA-TELANGIECTASIA, FRESNO VARIANT; LOUIS-BAR SYNDROME. Identifiers: Orphanet 100, MedGen C0004135, MONDO:0008840, OMIM 208900.

Submissions (3):

Labcorp Genetics (formerly Invitae), Labcorp
Classification: Uncertain significance for Ataxia-telangiectasia syndrome. Last evaluated: 2024-10-07. Review status: criteria provided, single submitter. Criteria: Invitae Variant Classification Sherloc (09022015). Collection method: clinical testing. Allele origin: germline.
Comment: This variant, c.3675_3677del, results in the deletion of 2 and insertion of 1 amino acid(s) of the ATM protein (p.Gln1225_Asp1226delinsHis), but otherwise preserves the integrity of the reading frame. This variant is not present in population databases (gnomAD no frequency). This variant has not been reported in the literature in individuals affected with ATM-related conditions. ClinVar contains an entry for this variant (Variation ID: 422507). Experimental studies and prediction algorithms are not available or were not evaluated, and the functional significance of this variant is currently unknown. In summary, the available evidence is currently insufficient to determine the role of this variant in disease. Therefore, it has been classified as a Variant of Uncertain Significance.

GeneDx
Classification: Uncertain significance. Last evaluated: 2016-10-17. Review status: criteria provided, single submitter. Criteria: GeneDx Variant Classification (06012015). Collection method: clinical testing. Allele origin: germline. Affected: yes.
Comment: This in-frame deletion of three nucleotides in ATM is denoted c.3675_3677delAGA at the cDNA level and p.Gln1225_Asp1226delinsHis (Q1225_D1226delinsH) at the protein level. The normal sequence, with the bases that are deleted in braces, is TTCA[AGA]TACT. This deletion occurs in a region that is not conserved and is located in the region of interaction with beta-adaptin (Tavtigian 2009). This variant has not, to our knowledge, been published in the literature as pathogenic or benign. Based on current evidence, we consider ATM c.3675_3677delAGA to be a variant of uncertain significance.

Ambry Genetics
Classification: Uncertain significance for Hereditary cancer-predisposing syndrome. Last evaluated: 2016-04-19. Review status: criteria provided, single submitter. Criteria: Ambry Variant Classification Scheme 2023. Collection method: clinical testing. Allele origin: germline.
Comment: The c.3675_3677delAGA variant (also known as p.Q1225_D1226delinsH) is located in coding exon 24 of the ATM gene. This variant results from an in-frame AGA deletion of between nucleotide positions 3675 and 3677. The glutamine and aspartic acid at codons 1225 and 1226 are replaced by histidine, an amino acid with highly similar properties. The glutamine at amino acid position 1225 is not well conserved although the aspartic acid at amino acid position 1226 is well conserved on available sequence alignment. Since supporting evidence is limited at this time, the clinical significance of this alteration remains unclear.